The following is an entry in ClinVar:

ClinVar aggregate classification (germline): Uncertain significance (1 of 4 stars; one submission).

Conditions:
Kabuki syndrome. Also called: Kabuki make-up syndrome; NIIKAWA-KUROKI SYNDROME. Identifiers: Orphanet 2322, MedGen C0796004, MONDO:0016512.

Allele frequency attached by ClinVar (database versions not stated): gnomAD 0.00001; TOPMed 0.00002.

Submission:

Labcorp Genetics (formerly Invitae), Labcorp
Classification: Uncertain significance for Kabuki syndrome. Last evaluated: 2024-06-23. Review status: criteria provided, single submitter. Criteria: Invitae Variant Classification Sherloc (09022015). Collection method: clinical testing. Allele origin: germline.
Comment: This sequence change replaces proline, which is neutral and non-polar, with serine, which is neutral and polar, at codon 884 of the KMT2D protein (p.Pro884Ser). This variant is not present in population databases (gnomAD no frequency). This variant has not been reported in the literature in individuals affected with KMT2D-related conditions. ClinVar contains an entry for this variant (Variation ID: 2166835). Advanced modeling of protein sequence and biophysical properties (such as structural, functional, and spatial information, amino acid conservation, physicochemical variation, residue mobility, and thermodynamic stability) performed at Invitae indicates that this missense variant is not expected to disrupt KMT2D protein function with a negative predictive value of 95%. In summary, the available evidence is currently insufficient to determine the role of this variant in disease. Therefore, it has been classified as a Variant of Uncertain Significance.

NM_003482.4(KMT2D):c.2650C>T (p.Pro884Ser)

Gene: KMT2D (lysine methyltransferase 2D; minus strand). Cytogenetic location: 12q13.12.
Variant type: single nucleotide variant.
Coding change: c.2650C>T on transcript NM_003482.4 (MANE Select); coding-DNA position 2650, C replaced by T.
Protein change: p.Pro884Ser; replaces proline 884 with serine.
Molecular consequence: missense variant.
Genome position (GRCh38, 1-based): chr12:49,051,033, G>A on the plus strand (C>T on the coding strand, the complement: KMT2D is on the minus strand). VCF-style: chr12-49051033-G-A. GRCh37 (hg19) VCF-style: chr12-49444816-G-A.
Other names: short protein forms P884S.
Identifiers: ClinVar variation 2166835 (VCV002166835.4), dbSNP rs1316716261, ClinGen allele CA384665120.